The following is an entry in ClinVar:

NM_000038.6(APC):c.6824A>G (p.Lys2275Arg)

Gene: APC (APC regulator of Wnt signaling pathway; plus strand). Cytogenetic location: 5q22.2.
Variant type: single nucleotide variant.
Coding change: c.6824A>G on transcript NM_000038.6 (MANE Select); coding-DNA position 6824, A replaced by G.
Protein change: p.Lys2275Arg; replaces lysine 2275 with arginine.
Molecular consequence: missense variant.
Genome position (GRCh38, 1-based): chr5:112,842,418, A>G. VCF-style: chr5-112842418-A-G. GRCh37 (hg19) VCF-style: chr5-112178115-A-G.
Other names: c.6824A>G, p.Lys2275Arg (NM_001127510.3, NM_001354895.2); c.6770A>G, p.Lys2257Arg (NM_001127511.3); c.6878A>G, p.Lys2293Arg (NM_001354896.2); c.6854A>G, p.Lys2285Arg (NM_001354897.2); c.6749A>G, p.Lys2250Arg (NM_001354898.2); c.6740A>G, p.Lys2247Arg (NM_001354899.2); c.6701A>G, p.Lys2234Arg (NM_001354900.2); c.6647A>G, p.Lys2216Arg (NM_001354901.2); and 6 more; short protein forms K1992R, K2115R, K2149R, K2174R, K2184R, K2216R, K2234R, K2247R.
Identifiers: ClinVar variation 1001398 (VCV001001398.11), dbSNP rs1766311437, ClinGen allele CA16036228.
Genomic context (GRCh38, chr5:112,842,418, plus strand): 5'-CTCCAGCCTCCAAAAGCCCTAGTGAAGGTCAAACAGCCACCACTTCTCCTAGAGGAGCCA[A>G]GCCATCTGTGAAATCAGAATTAAGCCCTGTTGCCAGGCAGACATCCCAAATAGGTGGGTC-3'
Protein context (NP_000029.2, residues 2265-2285): QTATTSPRGA[Lys2275Arg]PSVKSELSPV

ClinVar aggregate classification (germline): Uncertain significance. Review status: criteria provided, multiple submitters, no conflicts (2 of 4 stars). 2 submissions from 2 submitters: Uncertain significance (2). Last evaluated 2026-07-06.

Conditions:
Familial adenomatous polyposis 1 (FAP1). Also called: POLYPOSIS, ADENOMATOUS INTESTINAL; FAMILIAL ADENOMATOUS POLYPOSIS 1, ATTENUATED. Identifiers: MedGen C2713442, MONDO:0021056, OMIM 175100. Disease mechanism: loss of function.
Hereditary cancer-predisposing syndrome. Also called: Tumor predisposition; Hereditary Cancer Syndrome; Hereditary neoplastic syndrome; Neoplastic Syndromes, Hereditary. Identifiers: Orphanet 140162, MedGen C0027672, MeSH D009386, MONDO:0015356.

Submissions (2):

Ambry Genetics
Classification: Uncertain significance for Hereditary cancer-predisposing syndrome. Last evaluated: 2026-07-06. Review status: criteria provided, single submitter. Criteria: Ambry Variant Classification Scheme 2023. Collection method: clinical testing. Allele origin: germline.
Comment: The p.K2275R variant (also known as c.6824A>G), located in coding exon 15 of the APC gene, results from an A to G substitution at nucleotide position 6824. The lysine at codon 2275 is replaced by arginine, an amino acid with highly similar properties. This amino acid position is conserved. In addition, in silico predictors for this gene do not accurately predict pathogenicity. Based on the available evidence, the clinical significance of this variant remains unclear.

Labcorp Genetics (formerly Invitae), Labcorp
Classification: Uncertain significance for Familial adenomatous polyposis 1. Last evaluated: 2023-07-28. Review status: criteria provided, single submitter. Criteria: Invitae Variant Classification Sherloc (09022015). Collection method: clinical testing. Allele origin: germline.
Comment: This sequence change replaces lysine, which is basic and polar, with arginine, which is basic and polar, at codon 2275 of the APC protein (p.Lys2275Arg). In summary, the available evidence is currently insufficient to determine the role of this variant in disease. Therefore, it has been classified as a Variant of Uncertain Significance. Advanced modeling of protein sequence and biophysical properties (such as structural, functional, and spatial information, amino acid conservation, physicochemical variation, residue mobility, and thermodynamic stability) performed at Invitae indicates that this missense variant is not expected to disrupt APC protein function. ClinVar contains an entry for this variant (Variation ID: 1001398). This variant has not been reported in the literature in individuals affected with APC-related conditions. This variant is not present in population databases (gnomAD no frequency).